The following is an entry in ClinVar:

ClinVar aggregate classification (germline): Uncertain significance (1 of 4 stars; one submission).

Submission:

Labcorp Genetics (formerly Invitae), Labcorp
Classification: Uncertain significance. Last evaluated: 2022-07-12. Review status: criteria provided, single submitter. Criteria: Invitae Variant Classification Sherloc (09022015). Collection method: clinical testing. Allele origin: germline.
Comment: This variant has not been reported in the literature in individuals affected with CAD-related conditions. ClinVar contains an entry for this variant (Variation ID: 1368477). Algorithms developed to predict the effect of missense changes on protein structure and function (SIFT, PolyPhen-2, Align-GVGD) all suggest that this variant is likely to be tolerated. In summary, the available evidence is currently insufficient to determine the role of this variant in disease. Therefore, it has been classified as a Variant of Uncertain Significance. This variant is not present in population databases (gnomAD no frequency). This sequence change replaces serine, which is neutral and polar, with leucine, which is neutral and non-polar, at codon 1920 of the CAD protein (p.Ser1920Leu).

NM_004341.5(CAD):c.5759C>T (p.Ser1920Leu)

Gene: CAD (carbamoyl-phosphate synthetase 2, aspartate transcarbamylase, and dihydroorotase; plus strand). Cytogenetic location: 2p23.3.
Variant type: single nucleotide variant.
Coding change: c.5759C>T on transcript NM_004341.5 (MANE Select); coding-DNA position 5759, C replaced by T.
Protein change: p.Ser1920Leu; replaces serine 1920 with leucine.
Molecular consequence: missense variant.
Genome position (GRCh38, 1-based): chr2:27,241,178, C>T. VCF-style: chr2-27241178-C-T. GRCh37 (hg19) VCF-style: chr2-27464046-C-T.
Other names: c.5570C>T, p.Ser1857Leu (NM_001306079.2); short protein forms S1920L, S1857L.
Identifiers: ClinVar variation 1368477 (VCV001368477.6), dbSNP rs2148096208, ClinGen allele CA346223544.